The following is an entry in ClinVar:

ClinVar aggregate classification (germline): Uncertain significance. Review status: criteria provided, multiple submitters, no conflicts (2 of 4 stars). 2 submissions from 2 submitters: Uncertain significance (2). Last evaluated 2025-08-05.

Conditions:
Progressive myoclonic epilepsy type 5. Identifiers: Orphanet 402082, MedGen C5190799.

Allele frequency attached by ClinVar (database versions not stated): ExAC 0.00004; TOPMed 0.00005; gnomAD 0.00006.
gnomAD v4.1: 45 of 1,612,730 alleles (0.0028%); highest among the groups gnomAD compares: Middle Eastern, 0.016%; no homozygotes.

Submissions (2):

Ambry Genetics
Classification: Uncertain significance. Last evaluated: 2025-08-05. Review status: criteria provided, single submitter. Criteria: Ambry Variant Classification Scheme 2023. Collection method: clinical testing. Allele origin: germline.

Labcorp Genetics (formerly Invitae), Labcorp
Classification: Uncertain significance for Progressive myoclonic epilepsy type 5. Last evaluated: 2024-02-16. Review status: criteria provided, single submitter. Criteria: Invitae Variant Classification Sherloc (09022015). Collection method: clinical testing. Allele origin: germline.
Comment: This sequence change replaces tyrosine, which is neutral and polar, with phenylalanine, which is neutral and non-polar, at codon 403 of the PRICKLE2 protein (p.Tyr403Phe). This variant is present in population databases (rs199785142, gnomAD 0.004%). This variant has not been reported in the literature in individuals affected with PRICKLE2-related conditions. An algorithm developed to predict the effect of missense changes on protein structure and function (PolyPhen-2) suggests that this variant is likely to be disruptive. In summary, the available evidence is currently insufficient to determine the role of this variant in disease. Therefore, it has been classified as a Variant of Uncertain Significance.

NM_198859.4(PRICKLE2):c.1208A>T (p.Tyr403Phe)

Gene: PRICKLE2 (prickle planar cell polarity protein 2; minus strand). Cytogenetic location: 3p14.1.
Variant type: single nucleotide variant.
Coding change: c.1208A>T on transcript NM_198859.4 (MANE Select); coding-DNA position 1208, A replaced by T.
Protein change: p.Tyr403Phe; replaces tyrosine 403 with phenylalanine.
Molecular consequence: missense variant.
Genome position (GRCh38, 1-based): chr3:64,147,282, T>A on the plus strand (A>T on the coding strand, the complement: PRICKLE2 is on the minus strand). VCF-style: chr3-64147282-T-A. GRCh37 (hg19) VCF-style: chr3-64132958-T-A.
Other names: c.1208A>T, p.Tyr403Phe (NM_001370528.1); c.1208A>T (NM_198859.3); short protein forms Y403F.
Identifiers: ClinVar variation 2918614 (VCV002918614.4), dbSNP rs199785142, ClinGen allele CA2479673.